The following is an entry in ClinVar:

ClinVar aggregate classification (germline): Pathogenic (1 of 4 stars; one submission).

Conditions:
Hereditary cancer-predisposing syndrome. Also called: Neoplastic Syndromes, Hereditary; Tumor predisposition; Hereditary neoplastic syndrome; Hereditary Cancer Syndrome. Identifiers: Orphanet 140162, MedGen C0027672, MeSH D009386, MONDO:0015356.

Submission:

Ambry Genetics
Classification: Pathogenic for Hereditary cancer-predisposing syndrome. Last evaluated: 2023-12-18. Review status: criteria provided, single submitter. Criteria: Ambry Variant Classification Scheme 2023. Collection method: clinical testing. Allele origin: germline.
Comment: The c.331dupG pathogenic mutation, located in coding exon 2 of the PTCH1 gene, results from a duplication of G at nucleotide position 331, causing a translational frameshift with a predicted alternate stop codon (p.A111Gfs*29). This alteration has been observed in at least one individual with a personal and/or family history that is consistent with PTCH1-related disease (Ambry internal data). This variant is considered to be rare based on population cohorts in the Genome Aggregation Database (gnomAD). This alteration is expected to result in loss of function by premature protein truncation or nonsense-mediated mRNA decay. As such, this alteration is interpreted as a disease-causing mutation.

NM_000264.5(PTCH1):c.331dup (p.Ala111fs)

Gene: PTCH1 (patched 1; minus strand). Cytogenetic location: 9q22.32.
Variant type: Duplication.
Coding change: c.331dup on transcript NM_000264.5 (MANE Select); coding-DNA position 331, one base duplicated (G; older notation c.331dupG).
Protein change: p.Ala111fs; shifts the reading frame from alanine 111.
Molecular consequence: frameshift variant. On other transcripts: 5 prime UTR variant (4), non-coding transcript variant (1).
Genome position (GRCh38, 1-based): chr9:95,506,470, C duplicated on the plus strand (G on the coding strand, the reverse complement: PTCH1 is on the minus strand); the first of 4 consecutive C bases (chr9:95,506,470-95,506,473); duplicating any one gives the same sequence. VCF-style (leftmost placement, unchanged base first): chr9-95506469-G-GC. GRCh37 (hg19) VCF-style: chr9-98268751-G-GC.
Other names: c.133dup, p.Ala45fs (NM_001083602.3, NM_001354919.2); c.328dup, p.Ala110fs (NM_001083603.3); c.-123dup (NM_001083604.3, NM_001083605.3, NM_001083606.3 and 1 more transcripts); c.331dup, p.Ala111fs (NM_001354918.2); c.331dupG (NM_000264.3); short protein forms A110fs, A111fs, A45fs.
Identifiers: ClinVar variation 3231010 (VCV003231010.1), dbSNP rs2538382746, ClinGen allele CA2825001647.